The following is an entry in ClinVar:

NM_020461.4(TUBGCP6):c.3850C>T (p.Pro1284Ser)

Gene: TUBGCP6 (tubulin gamma complex component 6; minus strand). Cytogenetic location: 22q13.33.
Variant type: single nucleotide variant.
Coding change: c.3850C>T on transcript NM_020461.4 (MANE Select); coding-DNA position 3850, C replaced by T.
Protein change: p.Pro1284Ser; replaces proline 1284 with serine.
Molecular consequence: missense variant.
Genome position (GRCh38, 1-based): chr22:50,220,509, G>A on the plus strand (C>T on the coding strand, the complement: TUBGCP6 is on the minus strand). VCF-style: chr22-50220509-G-A. GRCh37 (hg19) VCF-style: chr22-50658938-G-A.
Other names: short protein forms P1284S.
Identifiers: ClinVar variation 1493675 (VCV001493675.6), dbSNP rs753862962, ClinGen allele CA10307802.

ClinVar aggregate classification (germline): Uncertain significance (1 of 4 stars; one submission).

Allele frequency attached by ClinVar (database versions not stated): gnomAD exomes below 0.00001 and 0.00001; ExAC 0.00002.
gnomAD v4.1: 2 of 1,613,484 alleles (0.00012%); highest among the groups gnomAD compares: Non-Finnish European, 0.00017%; no homozygotes.

Submission:

Labcorp Genetics (formerly Invitae), Labcorp
Classification: Uncertain significance. Last evaluated: 2022-11-15. Review status: criteria provided, single submitter. Criteria: Invitae Variant Classification Sherloc (09022015). Collection method: clinical testing. Allele origin: germline.
Comment: This variant has not been reported in the literature in individuals affected with TUBGCP6-related conditions. This variant is present in population databases (rs753862962, gnomAD 0.002%). This sequence change replaces proline, which is neutral and non-polar, with serine, which is neutral and polar, at codon 1284 of the TUBGCP6 protein (p.Pro1284Ser). In summary, the available evidence is currently insufficient to determine the role of this variant in disease. Therefore, it has been classified as a Variant of Uncertain Significance. Algorithms developed to predict the effect of missense changes on protein structure and function output the following: SIFT: "Tolerated"; PolyPhen-2: "Benign"; Align-GVGD: "Class C0". The serine amino acid residue is found in multiple mammalian species, which suggests that this missense change does not adversely affect protein function. ClinVar contains an entry for this variant (Variation ID: 1493675).